The following is an entry in ClinVar:

NM_001164508.2(NEB):c.25203_25204inv (p.Ile8402Val)

Genes: NEB (nebulin; minus strand), RIF1 (replication timing regulatory factor 1; plus strand). Cytogenetic location: 2q23.3.
Variant type: Inversion.
Coding change: c.25203_25204inv on transcript NM_001164508.2 (MANE Select).
Protein change: p.Ile8402Val; replaces isoleucine 8402 with valine.
Molecular consequence: missense variant.
Genome position: GRCh38 VCF-style: chr2-151490465-TG-CA. GRCh37 (hg19) VCF-style: chr2-152346979-TG-CA.
Other names: c.25203_25204inv, p.Ile8402Val (NM_001164507.2); c.25308_25309inv, p.Ile8437Val (NM_001271208.2); c.19635_19636inv, p.Ile6546Val (NM_004543.5); c.25308_25309delinsTG (NM_001271208.2); short protein forms I8437V, I6546V, I8402V.
Identifiers: ClinVar variation 571908 (VCV000571908.6), ClinGen allele CA891842684.

ClinVar aggregate classification (germline): Uncertain significance. Review status: criteria provided, multiple submitters, no conflicts (2 of 4 stars). 2 submissions from 2 submitters: Uncertain significance (2). Last evaluated 2022-09-19.

Conditions:
Nemaline myopathy 2 (NEM2). Also called: Nemaline myopathy 2, autosomal recessive. Identifiers: MedGen C1850569, MONDO:0009725, OMIM 256030.
Arthrogryposis multiplex congenita 6. Identifiers: MedGen C5543431, MONDO:0030281, OMIM 619334.

Submissions (2):

Labcorp Genetics (formerly Invitae), Labcorp
Classification: Uncertain significance for Nemaline myopathy 2. Last evaluated: 2022-09-19. Review status: criteria provided, single submitter. Criteria: Invitae Variant Classification Sherloc (09022015). Collection method: clinical testing. Allele origin: germline.
Comment: This sequence change replaces isoleucine, which is neutral and non-polar, with valine, which is neutral and non-polar, at codon 8437 of the NEB protein (p.Ile8437Val). Information on the frequency of this variant in the gnomAD database is not available, as this variant may be reported differently in the database. This variant has not been reported in the literature in individuals affected with NEB-related conditions. ClinVar contains an entry for this variant (Variation ID: 571908). Algorithms developed to predict the effect of missense changes on protein structure and function output the following: SIFT: "Not Available"; PolyPhen-2: "Not Available"; Align-GVGD: "Not Available". The valine amino acid residue is found in multiple mammalian species, which suggests that this missense change does not adversely affect protein function. In summary, the available evidence is currently insufficient to determine the role of this variant in disease. Therefore, it has been classified as a Variant of Uncertain Significance.

Fulgent Genetics
Classification: Uncertain significance for Nemaline myopathy 2; Arthrogryposis multiplex congenita 6. Last evaluated: 2021-07-27. Review status: criteria provided, single submitter. Criteria: ACMG Guidelines, 2015. Collection method: clinical testing. Allele origin: unknown.